The following is an entry in ClinVar:

NM_000512.5(GALNS):c.748C>T (p.Gln250Ter)

Gene: GALNS (galactosamine (N-acetyl)-6-sulfatase; minus strand). Cytogenetic location: 16q24.3.
Variant type: single nucleotide variant.
Coding change: c.748C>T on transcript NM_000512.5 (MANE Select); coding-DNA position 748, C replaced by T.
Protein change: p.Gln250Ter; replaces glutamine 250 with a stop codon.
Molecular consequence: nonsense.
Genome position (GRCh38, 1-based): chr16:88,835,735, G>A on the plus strand (C>T on the coding strand, the complement: GALNS is on the minus strand). VCF-style: chr16-88835735-G-A. GRCh37 (hg19) VCF-style: chr16-88902143-G-A.
Other names: c.193C>T, p.Gln65Ter (NM_001323543.2); c.766C>T, p.Gln256Ter (NM_001323544.2); short protein forms Q250*, Q65*, Q256*.
Identifiers: ClinVar variation 3688330 (VCV003688330.2).

ClinVar aggregate classification (germline): Pathogenic (1 of 4 stars; one submission).

Conditions:
Mucopolysaccharidosis, MPS-IV-A (MPS4A). Also called: Morquio syndrome A, mild; MORQUIO SYNDROME A; GALACTOSAMINE-6-SULFATASE DEFICIENCY; GALNS DEFICIENCY; MORQUIO A DISEASE; Mucopolysaccharidosis type IV A. Identifiers: Orphanet 309297, Orphanet 582, MedGen C0086651, MONDO:0009659, OMIM 253000.

Submission:

Labcorp Genetics (formerly Invitae), Labcorp
Classification: Pathogenic for Mucopolysaccharidosis, MPS-IV-A. Last evaluated: 2024-07-12. Review status: criteria provided, single submitter. Criteria: Invitae Variant Classification Sherloc (09022015). Collection method: clinical testing. Allele origin: germline.
Comment: This sequence change creates a premature translational stop signal (p.Gln250*) in the GALNS gene. It is expected to result in an absent or disrupted protein product. Loss-of-function variants in GALNS are known to be pathogenic (PMID: 12442278). This variant is not present in population databases (gnomAD no frequency). This variant has not been reported in the literature in individuals affected with GALNS-related conditions. Algorithms developed to predict the effect of sequence changes on RNA splicing suggest that this variant may disrupt the consensus splice site. For these reasons, this variant has been classified as Pathogenic.

Literature cited by the submitters: PubMed 12442278.